The following is an entry in ClinVar:

ClinVar aggregate classification (germline): Uncertain significance. Review status: criteria provided, multiple submitters, no conflicts (2 of 4 stars). 2 submissions from 2 submitters: Uncertain significance (2). Last evaluated 2024-07-30.

Conditions:
Cardiomyopathy (CMYO). Also called: Cardiomyopathies. Identifiers: Orphanet 167848, MedGen C0878544, MONDO:0004994, HP:0001638. Inheritance: Various modes of inheritance.
Arrhythmogenic right ventricular dysplasia 9 (ARVD9). Also called: ARRHYTHMOGENIC RIGHT VENTRICULAR DYSPLASIA, FAMILIAL, 9; Arrhythmogenic Right Ventricular Dysplasia/Cardiomyopathy 9. Identifiers: MedGen C1836906, MONDO:0012180, OMIM 609040.

Allele frequency attached by ClinVar (database versions not stated): gnomAD exomes 0.00001; TOPMed 0.00001; ExAC 0.00003.
gnomAD v4.1: 1 of 1,586,434 alleles (0.000063%); highest among the groups gnomAD compares: East Asian, 0.0023%; no homozygotes.

Submissions (2):

Labcorp Genetics (formerly Invitae), Labcorp
Classification: Uncertain significance for Arrhythmogenic right ventricular dysplasia 9. Last evaluated: 2024-07-30. Review status: criteria provided, single submitter. Criteria: Invitae Variant Classification Sherloc (09022015). Collection method: clinical testing. Allele origin: germline.
Comment: This sequence change replaces arginine, which is basic and polar, with serine, which is neutral and polar, at codon 46 of the PKP2 protein (p.Arg46Ser). The frequency data for this variant in the population databases is considered unreliable, as metrics indicate poor data quality at this position in the gnomAD database. This variant has not been reported in the literature in individuals affected with PKP2-related conditions. ClinVar contains an entry for this variant (Variation ID: 629470). An algorithm developed to predict the effect of missense changes on protein structure and function (PolyPhen-2) suggests that this variant is likely to be tolerated. In summary, the available evidence is currently insufficient to determine the role of this variant in disease. Therefore, it has been classified as a Variant of Uncertain Significance.

Color Diagnostics, LLC DBA Color Health
Classification: Uncertain significance for Cardiomyopathy. Last evaluated: 2023-12-05. Review status: criteria provided, single submitter. Criteria: ACMG Guidelines, 2015. Collection method: clinical testing. Allele origin: germline.
Comment: Variant of Uncertain Significance due to insufficient evidence: This missense variant is located in the head domain of the PKP2 protein. Computational prediction tools and conservation analyses suggest that this variant may not impact the protein function. Computational splicing tools suggest that this variant may not impact RNA splicing. To our knowledge, functional assays have not been performed for this variant nor has this variant been reported in individuals affected with cardiovascular disorders in the literature. This variant is rare in the general population and has been identified in 0/277264 chromosomes by the Genome Aggregation Database (gnomAD). Available evidence is insufficient to determine the pathogenicity of this variant conclusively.

NM_001005242.3(PKP2):c.136C>A (p.Arg46Ser)

Gene: PKP2 (plakophilin 2; minus strand). Cytogenetic location: 12p11.21.
Variant type: single nucleotide variant.
Coding change: c.136C>A on transcript NM_001005242.3 (MANE Select); coding-DNA position 136, C replaced by A.
Protein change: p.Arg46Ser; replaces arginine 46 with serine.
Molecular consequence: missense variant.
Genome position (GRCh38, 1-based): chr12:32,896,596, G>T on the plus strand (C>A on the coding strand, the complement: PKP2 is on the minus strand). VCF-style: chr12-32896596-G-T. GRCh37 (hg19) VCF-style: chr12-33049530-G-T.
Other names: c.136C>A, p.Arg46Ser (NM_004572.4); short protein forms R46S.
Identifiers: ClinVar variation 629470 (VCV000629470.6), dbSNP rs764116301, ClinGen allele CA027724.
Genomic context (GRCh38, chr12:32,896,596, plus strand): 5'-GGGCGAGGGTCTGCTGCACCTGCTCCTGGATCCGCAGGCTCTTGACTGTCTGGCCGCCGC[G>T]GCCGCTGCTCCCCGCCAGCTTCAGCTTGGCCTCGGAGGGCAGCGCCAGGCTGGAGCTGTC-3'
Protein context (NP_001005242.2, residues 36-56): AKLKLAGSSG[Arg46Ser]GGQTVKSLRI